The following is an entry in ClinVar:

ClinVar aggregate classification (germline): Pathogenic/Likely pathogenic. Review status: criteria provided, multiple submitters, no conflicts (2 of 4 stars). 6 submissions from 6 submitters: Pathogenic (2); Likely pathogenic (3). 1 of the submissions does not count toward it. Last evaluated 2024-08-19.

Conditions:
Inborn genetic diseases. Identifiers: MedGen C0950123, MeSH D030342.
Intellectual disability-microcephaly-strabismus-behavioral abnormalities syndrome. Also called: White-Sutton Syndrome. Identifiers: Orphanet 468678, MedGen C4225351, MONDO:0014606, OMIM 616364.

Submissions (6):

Ambry Genetics
Classification: Pathogenic for Inborn genetic diseases. Last evaluated: 2024-08-19. Review status: criteria provided, single submitter. Criteria: Ambry Variant Classification Scheme 2023. Collection method: clinical testing. Allele origin: germline.
Comment: The c.3259C>T (p.R1087*) alteration, located in exon 19 (coding exon 18) of the POGZ gene, consists of a C to T substitution at nucleotide position 3259. This changes the amino acid from an arginine (R) to a stop codon at amino acid position 1087. This alteration occurs at the 3' terminus of the POGZ gene, is not expected to trigger nonsense-mediated mRNA decay, and impacts the last 23% of the protein. However, premature stop codons are typically deleterious in nature, the impacted region is critical for protein function, and a significant portion of the protein is affected (Ambry internal data). This variant was not reported in population-based cohorts in the Genome Aggregation Database (gnomAD). This variant has been determined to be the result of a de novo mutation in one individual with features consistent with White-Sutton syndrome (Nagy, 2022). Based on the available evidence, this alteration is classified as pathogenic.

GeneDx
Classification: Pathogenic. Last evaluated: 2023-06-27. Review status: criteria provided, single submitter. Criteria: GeneDx Variant Classification Process June 2021. Collection method: clinical testing. Allele origin: germline. Affected: yes.
Comment: Nonsense variant in the C-terminus predicted to result in protein truncation, as the last 324 amino acids are lost, and other loss-of-function variants have been reported downstream in the Human Gene Mutation Database (HGMD); Not observed at significant frequency in large population cohorts (gnomAD); This variant is associated with the following publications: (PMID: 30577886, 35052493)

Genome-Nilou Lab
Classification: Likely pathogenic for Intellectual disability-microcephaly-strabismus-behavioral abnormalities syndrome. Last evaluated: 2023-04-11. Review status: criteria provided, single submitter. Criteria: ACMG Guidelines, 2015. Collection method: clinical testing. Allele origin: germline. Affected: no.

Genetics Laboratory, UDIAT-Centre Diagnòstic, Hospital Universitari Parc Tauli
Classification: Likely pathogenic. Last evaluated: 2021-04-26. Review status: criteria provided, single submitter. Criteria: Parc Tauli Hospital Assertion Criteria 2021. Collection method: clinical testing. Allele origin: de novo. Inheritance: Autosomal dominant inheritance. Affected: yes. Observed: 1 heterozygote.
Comment: PVS1_strong;PM2_supporting;PM6_moderate;PP5_moderate

Genomic Diagnostic Laboratory, Division of Genomic Diagnostics, Children's Hospital of Philadelphia
Classification: Likely pathogenic. Last evaluated: 2015-09-28. Review status: criteria provided, single submitter. Criteria: DGD Variant Analysis Guidelines. Collection method: clinical testing. Allele origin: unknown.

Clinical Laboratory Sciences Program (CLSP), King Saud bin Abdulaziz University for Health Sciences (KSAU-HS)
Classification: Pathogenic for Intellectual disability-microcephaly-strabismus-behavioral abnormalities syndrome. Last evaluated: 2023-04-01. Review status: no assertion criteria provided. Collection method: clinical testing. Allele origin: germline. Affected: yes. Not counted in ClinVar's aggregate classification.

Literature cited by the submitters: PubMed 35052493 (cited by Ambry Genetics).

NM_015100.4(POGZ):c.3259C>T (p.Arg1087Ter)

Gene: POGZ (pogo transposable element derived with ZNF domain; minus strand). Cytogenetic location: 1q21.3.
Variant type: single nucleotide variant.
Coding change: c.3259C>T on transcript NM_015100.4 (MANE Select); coding-DNA position 3259, C replaced by T.
Protein change: p.Arg1087Ter; replaces arginine 1087 with a stop codon.
Molecular consequence: nonsense.
Genome position (GRCh38, 1-based): chr1:151,405,776, G>A on the plus strand (C>T on the coding strand, the complement: POGZ is on the minus strand). VCF-style: chr1-151405776-G-A. GRCh37 (hg19) VCF-style: chr1-151378252-G-A.
Other names: c.3232C>T, p.Arg1078Ter (NM_001194937.2); c.3073C>T, p.Arg1025Ter (NM_001194938.2); c.2974C>T, p.Arg992Ter (NM_145796.4); c.3100C>T, p.Arg1034Ter (NM_207171.2); short protein forms R1087*, R992*, R1034*, R1078*, R1025*.
Identifiers: ClinVar variation 252690 (VCV000252690.25), dbSNP rs879255404, ClinGen allele CA10585951.